The following is an entry in ClinVar:

ClinVar aggregate classification (germline): Uncertain significance (1 of 4 stars; one submission).

Submission:

Labcorp Genetics (formerly Invitae), Labcorp
Classification: Uncertain significance. Last evaluated: 2022-08-16. Review status: criteria provided, single submitter. Criteria: Invitae Variant Classification Sherloc (09022015). Collection method: clinical testing. Allele origin: germline.
Comment: This sequence change replaces lysine, which is basic and polar, with asparagine, which is neutral and polar, at codon 172 of the COQ7 protein (p.Lys172Asn). This variant is not present in population databases (gnomAD no frequency). This variant has not been reported in the literature in individuals affected with COQ7-related conditions. ClinVar contains an entry for this variant (Variation ID: 1418383). Algorithms developed to predict the effect of missense changes on protein structure and function are either unavailable or do not agree on the potential impact of this missense change (SIFT: "Tolerated"; PolyPhen-2: "Possibly Damaging"; Align-GVGD: "Class C0"). In summary, the available evidence is currently insufficient to determine the role of this variant in disease. Therefore, it has been classified as a Variant of Uncertain Significance.

NM_016138.5(COQ7):c.516G>T (p.Lys172Asn)

Gene: COQ7 (coenzyme Q7, hydroxylase; plus strand). Cytogenetic location: 16p12.3.
Variant type: single nucleotide variant.
Coding change: c.516G>T on transcript NM_016138.5 (MANE Select); coding-DNA position 516, G replaced by T.
Protein change: p.Lys172Asn; replaces lysine 172 with asparagine.
Molecular consequence: missense variant. On other transcripts: non-coding transcript variant (3), intron variant (3).
Genome position (GRCh38, 1-based): chr16:19,077,314, G>T. VCF-style: chr16-19077314-G-T. GRCh37 (hg19) VCF-style: chr16-19088636-G-T.
Other names: c.402G>T, p.Lys134Asn (NM_001190983.2, NM_001370492.1, NM_001370493.1 and 1 more transcripts); c.474G>T, p.Lys158Asn (NM_001370489.1); c.508-767G>T (NM_001370490.1); c.394-767G>T (NM_001370495.1); c.466-767G>T (NM_001370491.1); short protein forms K134N, K172N, K158N.
Identifiers: ClinVar variation 1418383 (VCV001418383.5), dbSNP rs2142395149, ClinGen allele CA394924024.
Genomic context (GRCh38, chr16:19,077,314, plus strand): 5'-CAGCAGGAGAGTTGGAAGGCTAACTTGCTTTGGTGTCTTTTTATTTAACCAGCTGATAAA[G>T]AAATTTCGGGATGAAGAGCTTGAGCACCATGACATAGGCCTCGACCATGATGCAGAATTG-3'
Protein context (NP_057222.2, residues 162-182): EKYEELLQLI[Lys172Asn]KFRDEELEHH